The following is an entry in ClinVar:

NM_003823.4(TNFRSF6B):c.68C>T (p.Pro23Leu)

Genes: RTEL1-TNFRSF6B (RTEL1-TNFRSF6B readthrough (NMD candidate); plus strand), TNFRSF6B (TNF receptor superfamily member 6b; plus strand). Cytogenetic location: 20q13.33.
Variant type: single nucleotide variant.
Coding change: c.68C>T on transcript NM_003823.4 (MANE Select); coding-DNA position 68, C replaced by T.
Protein change: p.Pro23Leu; replaces proline 23 with leucine.
Molecular consequence: missense variant. On other transcripts: non-coding transcript variant (1).
Genome position (GRCh38, 1-based): chr20:63,696,835, C>T. VCF-style: chr20-63696835-C-T. GRCh37 (hg19) VCF-style: chr20-62328188-C-T.
Other names: short protein forms P23L.
Identifiers: ClinVar variation 1397840 (VCV001397840.6), dbSNP rs371926409, ClinGen allele CA9966302.
Genomic context (GRCh38, chr20:63,696,835, plus strand): 5'-CGCTGGAGGGGCCAGGCCTGTCGCTGCTGTGCCTGGTGTTGGCGCTGCCTGCCCTGCTGC[C>T]GGTGCCGGCTGTACGCGGAGTGGCAGAAACACCCACCTACCCCTGGCGGGACGCAGAGAC-3'
Protein context (NP_003814.1, residues 13-33): CLVLALPALL[Pro23Leu]VPAVRGVAET

ClinVar aggregate classification (germline): Uncertain significance (1 of 4 stars; one submission).

Allele frequency attached by ClinVar (database versions not stated): gnomAD 0.00002 and 0.00003; gnomAD exomes 0.00002; TOPMed 0.00004; ESP Exome Variant Server 0.00008; 1000 Genomes Project 30x 0.00031; 1000 Genomes Project 0.00040.
gnomAD v4.1: 32 of 1,610,810 alleles (0.002%); highest among the groups gnomAD compares: South Asian, 0.0077%; 1 homozygote.

Submission:

Labcorp Genetics (formerly Invitae), Labcorp
Classification: Uncertain significance. Last evaluated: 2025-10-14. Review status: criteria provided, single submitter. Criteria: Invitae Variant Classification Sherloc (09022015). Collection method: clinical testing. Allele origin: germline.
Comment: This sequence change replaces proline, which is neutral and non-polar, with leucine, which is neutral and non-polar, at codon 23 of the TNFRSF6B protein (p.Pro23Leu). The frequency data for this variant in the population databases is considered unreliable, as metrics indicate poor data quality at this position in the gnomAD database. This variant has not been reported in the literature in individuals affected with TNFRSF6B-related conditions. ClinVar contains an entry for this variant (Variation ID: 1397840). An algorithm developed to predict the effect of missense changes on protein structure and function outputs the following: PolyPhen-2: "Not Available". The leucine amino acid residue is found in multiple mammalian species, which suggests that this missense change does not adversely affect protein function. In summary, the available evidence is currently insufficient to determine the role of this variant in disease. Therefore, it has been classified as a Variant of Uncertain Significance.